The following is an entry in ClinVar:

ClinVar aggregate classification (germline): Likely benign. Review status: criteria provided, single submitter (1 of 4 stars). 2 submissions from 2 submitters: Likely benign (1). 1 of the submissions does not count toward it. Last evaluated 2025-07-30.

Conditions:
NF1-related disorder. Also called: NF1-related condition. Identifiers: MedGen CN379171.
Neurofibromatosis, type 1 (NF1). Also called: NEUROFIBROMATOSIS, TYPE I, SOMATIC; VON RECKLINGHAUSEN DISEASE; Peripheral type neurofibromatosis; Neurofibromatosis, type I. Identifiers: Orphanet 636, MedGen C0027831, MONDO:0018975, OMIM 162200. Disease mechanism: loss of function.

Allele frequency attached by ClinVar (database versions not stated): gnomAD exomes below 0.00001; TOPMed below 0.00001; gnomAD 0.00001.
gnomAD v4.1: 4 of 1,537,952 alleles (0.00026%); highest among the groups gnomAD compares: African/African-American, 0.0014%; no homozygotes.

Submissions (2):

Labcorp Genetics (formerly Invitae), Labcorp
Classification: Likely benign for Neurofibromatosis, type 1. Last evaluated: 2025-07-30. Review status: criteria provided, single submitter. Criteria: Invitae Variant Classification Sherloc (09022015). Collection method: clinical testing. Allele origin: germline.

PreventionGenetics, part of Exact Sciences
Classification: Likely benign for NF1-related condition. Last evaluated: 2019-05-07. Review status: no assertion criteria provided. Collection method: clinical testing. Allele origin: germline. Not counted in ClinVar's aggregate classification.
Comment: This variant is classified as likely benign based on ACMG/AMP sequence variant interpretation guidelines (Richards et al. 2015 PMID: 25741868, with internal and published modifications).

NM_001042492.3(NF1):c.60+18G>A

Genes: MIR4733HG (MIR4733 host gene; minus strand), NF1 (neurofibromin 1; plus strand). Cytogenetic location: 17q11.2.
Variant type: single nucleotide variant.
Coding change: c.60+18G>A on transcript NM_001042492.3 (MANE Select); 18 bases into the intron after coding-DNA position 60, G replaced by A.
Molecular consequence: intron variant. On other transcripts: non-coding transcript variant (1).
Genome position (GRCh38, 1-based): chr17:31,095,387, G>A. VCF-style: chr17-31095387-G-A. GRCh37 (hg19) VCF-style: chr17-29422405-G-A.
Other names: c.60+18G>A (NM_000267.4, NM_001128147.3).
Identifiers: ClinVar variation 1646152 (VCV001646152.10), dbSNP rs1598173975, ClinGen allele CA499197593.